The following is an entry in ClinVar:

NM_001018115.3(FANCD2):c.413T>C (p.Leu138Pro)

Genes: FANCD2 (FA complementation group D2; plus strand), LOC107303338 (3p25 FANCD2 Alu-mediated recombination region; plus strand). Cytogenetic location: 3p25.3.
Variant type: single nucleotide variant.
Coding change: c.413T>C on transcript NM_001018115.3 (MANE Select); coding-DNA position 413, T replaced by C.
Protein change: p.Leu138Pro; replaces leucine 138 with proline.
Molecular consequence: missense variant.
Genome position (GRCh38, 1-based): chr3:10,035,208, T>C. VCF-style: chr3-10035208-T-C. GRCh37 (hg19) VCF-style: chr3-10076892-T-C.
Other names: c.413T>C, p.Leu138Pro (NM_001319984.2, NM_001374253.1, NM_001374254.1 and 2 more transcripts); short protein forms L138P.
Identifiers: ClinVar variation 1695552 (VCV001695552.2), dbSNP rs1174325302, ClinGen allele CA351721181.

ClinVar aggregate classification (germline): Uncertain significance (1 of 4 stars; one submission).

Allele frequency attached by ClinVar (database versions not stated): TOPMed below 0.00001.

Submission:

GeneDx
Classification: Uncertain significance. Last evaluated: 2022-01-05. Review status: criteria provided, single submitter. Criteria: GeneDx Variant Classification Process June 2021. Collection method: clinical testing. Allele origin: germline. Affected: yes.
Comment: Not observed at significant frequency in large population cohorts (gnomAD); In silico analysis supports that this missense variant has a deleterious effect on protein structure/function; Has not been previously published as pathogenic or benign to our knowledge